The following is an entry in ClinVar:

NM_001127208.3(TET2):c.1510A>G (p.Lys504Glu)

Genes: TET2 (tet methylcytosine dioxygenase 2; plus strand), TET2-AS1 (TET2 antisense RNA 1; minus strand). Cytogenetic location: 4q24.
Variant type: single nucleotide variant.
Coding change: c.1510A>G on transcript NM_001127208.3 (MANE Select); coding-DNA position 1510, A replaced by G.
Protein change: p.Lys504Glu; replaces lysine 504 with glutamic acid.
Molecular consequence: missense variant.
Genome position (GRCh38, 1-based): chr4:105,235,452, A>G. VCF-style: chr4-105235452-A-G. GRCh37 (hg19) VCF-style: chr4-106156609-A-G.
Other names: c.1510A>G, p.Lys504Glu (NM_017628.4); short protein forms K504E.
Identifiers: ClinVar variation 2865861 (VCV002865861.3), dbSNP rs2476490490, ClinGen allele CA357794964.

ClinVar aggregate classification (germline): Uncertain significance (1 of 4 stars; one submission).

Allele frequency attached by ClinVar (database versions not stated): gnomAD exomes below 0.00001.
gnomAD v4.1: 1 of 1,614,200 alleles (0.000062%); highest among the groups gnomAD compares: Non-Finnish European, 0.000085%; no homozygotes.

Submission:

Labcorp Genetics (formerly Invitae), Labcorp
Classification: Uncertain significance. Last evaluated: 2023-05-19. Review status: criteria provided, single submitter. Criteria: Invitae Variant Classification Sherloc (09022015). Collection method: clinical testing. Allele origin: germline.
Comment: In summary, the available evidence is currently insufficient to determine the role of this variant in disease. Therefore, it has been classified as a Variant of Uncertain Significance. Algorithms developed to predict the effect of missense changes on protein structure and function output the following: SIFT: "Not Available"; PolyPhen-2: "Benign"; Align-GVGD: "Not Available". The glutamic acid amino acid residue is found in multiple mammalian species, which suggests that this missense change does not adversely affect protein function. This variant has not been reported in the literature in individuals affected with TET2-related conditions. This variant is not present in population databases (gnomAD no frequency). This sequence change replaces lysine, which is basic and polar, with glutamic acid, which is acidic and polar, at codon 504 of the TET2 protein (p.Lys504Glu).